The following is an entry in ClinVar:

NM_017763.6(RNF43):c.578C>T (p.Ala193Val)

Gene: RNF43 (ring finger protein 43; minus strand). Cytogenetic location: 17q22.
Variant type: single nucleotide variant.
Coding change: c.578C>T on transcript NM_017763.6 (MANE Select); coding-DNA position 578, C replaced by T.
Protein change: p.Ala193Val; replaces alanine 193 with valine.
Molecular consequence: missense variant.
Genome position (GRCh38, 1-based): chr17:58,363,279, G>A on the plus strand (C>T on the coding strand, the complement: RNF43 is on the minus strand). VCF-style: chr17-58363279-G-A. GRCh37 (hg19) VCF-style: chr17-56440640-G-A.
Other names: c.578C>T (NM_017763.4); c.578C>T, p.Ala193Val (NM_001305544.3); c.197C>T, p.Ala66Val (NM_001305545.2); short protein forms A66V, A193V.
Identifiers: ClinVar variation 2122729 (VCV002122729.6), dbSNP rs1335435101, ClinGen allele CA400337550.

ClinVar aggregate classification (germline): Uncertain significance. Review status: criteria provided, multiple submitters, no conflicts (2 of 4 stars). 3 submissions from 3 submitters: Uncertain significance (3). Last evaluated 2026-05-30.

Conditions:
Sessile serrated polyposis cancer syndrome (SSPCS). Identifiers: Orphanet 157798, MedGen C4310714, MONDO:0014919, OMIM 617108.

Allele frequency attached by ClinVar (database versions not stated): gnomAD exomes below 0.00001.
gnomAD v4.1: 2 of 1,613,550 alleles (0.00012%); highest among the groups gnomAD compares: East Asian, 0.0045%; no homozygotes.

Submissions (3):

Ambry Genetics
Classification: Uncertain significance. Last evaluated: 2026-05-30. Review status: criteria provided, single submitter. Criteria: Ambry Variant Classification Scheme 2023. Collection method: clinical testing. Allele origin: germline.
Comment: The p.A193V variant (also known as c.578C>T), located in coding exon 4 of the RNF43 gene, results from a C to T substitution at nucleotide position 578. The alanine at codon 193 is replaced by valine, an amino acid with similar properties. This amino acid position is conserved. In addition, this alteration is predicted to be tolerated by in silico analysis. Based on the available evidence, the clinical significance of this variant remains unclear.

Labcorp Genetics (formerly Invitae), Labcorp
Classification: Uncertain significance. Last evaluated: 2025-12-08. Review status: criteria provided, single submitter. Criteria: Invitae Variant Classification Sherloc (09022015). Collection method: clinical testing. Allele origin: germline.
Comment: This sequence change replaces alanine, which is neutral and non-polar, with valine, which is neutral and non-polar, at codon 193 of the RNF43 protein (p.Ala193Val). This variant is not present in population databases (gnomAD no frequency). This variant has not been reported in the literature in individuals affected with RNF43-related conditions. ClinVar contains an entry for this variant (Variation ID: 2122729). An algorithm developed to predict the effect of missense changes on protein structure and function (PolyPhen-2) suggests that this variant is likely to be tolerated. In summary, the available evidence is currently insufficient to determine the role of this variant in disease. Therefore, it has been classified as a Variant of Uncertain Significance.

Baylor Genetics
Classification: Uncertain significance for Sessile serrated polyposis cancer syndrome. Last evaluated: 2023-09-21. Review status: criteria provided, single submitter. Criteria: ACMG Guidelines, 2015. Collection method: clinical testing. Allele origin: unknown.